The following is an entry in ClinVar:

NM_000038.6(APC):c.636dup (p.Arg213fs)

Gene: APC (APC regulator of Wnt signaling pathway; plus strand). Cytogenetic location: 5q22.2.
Variant type: Duplication.
Coding change: c.636dup on transcript NM_000038.6 (MANE Select); coding-DNA position 636, one base duplicated (A; older notation c.636dupA).
Protein change: p.Arg213fs; shifts the reading frame from arginine 213.
Molecular consequence: frameshift variant. On other transcripts: 5 prime UTR variant (1).
Genome position (GRCh38, 1-based): chr5:112,780,894, A duplicated; the last of 5 consecutive A bases (chr5:112,780,890-112,780,894); duplicating any one gives the same sequence. VCF-style (leftmost placement, unchanged base first): chr5-112780889-G-GA. GRCh37 (hg19) VCF-style: chr5-112116586-G-GA.
Other names: c.636dup, p.Arg213fs (NM_001127510.3, NM_001354895.2, NM_001354896.2 and 2 more transcripts); c.666dup, p.Arg223fs (NM_001127511.3, NM_001354897.2, NM_001354902.2); c.561dup, p.Arg188fs (NM_001354898.2, NM_001354904.2); c.459dup, p.Arg154fs (NM_001354900.2, NM_001354901.2, NM_001354905.2); c.-400dup (NM_001354906.2); short protein forms R154fs, R188fs, R213fs, R223fs.
Identifiers: ClinVar variation 619774 (VCV000619774.4), dbSNP rs1561485947, ClinGen allele CA913189858.

ClinVar aggregate classification (germline): Pathogenic. Review status: criteria provided, multiple submitters, no conflicts (2 of 4 stars). 2 submissions from 2 submitters: Pathogenic (2). Last evaluated 2023-04-27.

Conditions:
Familial adenomatous polyposis 1 (FAP1). Also called: FAMILIAL ADENOMATOUS POLYPOSIS 1, ATTENUATED; POLYPOSIS, ADENOMATOUS INTESTINAL. Identifiers: MedGen C2713442, MONDO:0021056, OMIM 175100. Disease mechanism: loss of function.

Submissions (2):

Myriad Genetics, Inc.
Classification: Pathogenic for Familial adenomatous polyposis 1. Last evaluated: 2023-04-27. Review status: criteria provided, single submitter. Criteria: Myriad Autosomal Dominant, Autosomal Recessive and X-Linked Classification Criteria (2023). Collection method: clinical testing. Allele origin: unknown.
Comment: This variant is considered pathogenic. This variant creates a frameshift predicted to result in premature protein truncation.

Quest Diagnostics Nichols Institute San Juan Capistrano
Classification: Pathogenic. Last evaluated: 2017-12-04. Review status: criteria provided, single submitter. Criteria: Quest Diagnostics criteria. Collection method: clinical testing. Allele origin: germline.